The following is an entry in ClinVar:

NM_001165963.4(SCN1A):c.1790C>A (p.Thr597Asn)

Gene: SCN1A (sodium voltage-gated channel alpha subunit 1; minus strand). Cytogenetic location: 2q24.3.
Variant type: single nucleotide variant.
Coding change: c.1790C>A on transcript NM_001165963.4 (MANE Select); coding-DNA position 1790, C replaced by A.
Protein change: p.Thr597Asn; replaces threonine 597 with asparagine.
Molecular consequence: missense variant. On other transcripts: 5 prime UTR variant (1), non-coding transcript variant (1).
Genome position (GRCh38, 1-based): chr2:166,043,922, G>T on the plus strand (C>A on the coding strand, the complement: SCN1A is on the minus strand). VCF-style: chr2-166043922-G-T. GRCh37 (hg19) VCF-style: chr2-166900432-G-T.
Other names: p.T597N:ACC>AAC; c.1790C>A, p.Thr597Asn (NM_001165964.3, NM_001202435.3, NM_001353948.2 and 7 more transcripts); c.1787C>A, p.Thr596Asn (NM_001353954.2, NM_001353955.2, NM_001353960.2); c.-636C>A (NM_001353961.2); short protein forms T597N, T596N.
Identifiers: ClinVar variation 206774 (VCV000206774.20), dbSNP rs149715258, ClinGen allele CA317261.

ClinVar aggregate classification (germline): Conflicting classifications of pathogenicity. Review status: criteria provided, conflicting classifications (1 of 4 stars). 6 submissions from 6 submitters: Uncertain significance (2); Likely benign (4). Last evaluated 2025-11-09.

Conditions:
Early-infantile DEE. Also called: Ohtahara syndrome; Early infantile epileptic encephalopathy; Early infantile epileptic encephalopathy with suppression bursts. Identifiers: Orphanet 1934, MedGen C0393706, MONDO:0800491.
Inborn genetic diseases. Identifiers: MedGen C0950123, MeSH D030342.

Allele frequency attached by ClinVar (database versions not stated): TOPMed 0.00017; 1000 Genomes Project 0.00020; 1000 Genomes Project 30x 0.00031; ESP Exome Variant Server 0.00031; gnomAD exomes 0.00002 and 0.00003; ExAC 0.00004; gnomAD 0.00013 and 0.00014.

Submissions (6):

Labcorp Genetics (formerly Invitae), Labcorp
Classification: Uncertain significance for Early-infantile DEE. Last evaluated: 2025-11-09. Review status: criteria provided, single submitter. Criteria: Invitae Variant Classification Sherloc (09022015). Collection method: clinical testing. Allele origin: germline.
Comment: This sequence change replaces threonine, which is neutral and polar, with asparagine, which is neutral and polar, at codon 597 of the SCN1A protein (p.Thr597Asn). This variant is present in population databases (rs149715258, gnomAD 0.03%). This variant has not been reported in the literature in individuals affected with SCN1A-related conditions. ClinVar contains an entry for this variant (Variation ID: 206774). Invitae Evidence Modeling of protein sequence and biophysical properties (such as structural, functional, and spatial information, amino acid conservation, physicochemical variation, residue mobility, and thermodynamic stability) indicates that this missense variant is expected to disrupt SCN1A protein function with a positive predictive value of 95%. In summary, the available evidence is currently insufficient to determine the role of this variant in disease. Therefore, it has been classified as a Variant of Uncertain Significance.

Blueprint Genetics
Classification: Likely benign. Last evaluated: 2024-07-01. Review status: criteria provided, single submitter. Criteria: ACMG Guidelines, 2015. Collection method: clinical testing. Allele origin: germline.

Ambry Genetics
Classification: Likely benign for Inborn genetic diseases. Last evaluated: 2024-03-01. Review status: criteria provided, single submitter. Criteria: Ambry Variant Classification Scheme 2023. Collection method: clinical testing. Allele origin: germline.

Athena Diagnostics
Classification: Likely benign. Last evaluated: 2020-05-29. Review status: criteria provided, single submitter. Criteria: Athena Diagnostics Criteria. Collection method: clinical testing. Allele origin: unknown.

GeneDx
Classification: Likely benign. Last evaluated: 2019-08-30. Review status: criteria provided, single submitter. Criteria: GeneDx Variant Classification Process June 2021. Collection method: clinical testing. Allele origin: germline. Affected: yes.
Comment: The majority of missense variants in this gene are considered pathogenic (Stenson et al., 2014); In silico analysis, which includes protein predictors and evolutionary conservation, supports a deleterious effect; This substitution is predicted to be in the cytoplasmic loop between the first and second homologous domains; Has not been previously published as pathogenic or benign to our knowledge

Eurofins Ntd Llc (ga)
Classification: Uncertain significance. Last evaluated: 2016-12-27. Review status: criteria provided, single submitter. Criteria: EGL Classification Definitions 2015. Collection method: clinical testing. Allele origin: germline. Observed: 2 variant alleles, 2 heterozygotes.